The following is an entry in ClinVar:

NM_001130987.2(DYSF):c.5171G>A (p.Cys1724Tyr)

Gene: DYSF (dysferlin; plus strand). Cytogenetic location: 2p13.2.
Variant type: single nucleotide variant.
Coding change: c.5171G>A on transcript NM_001130987.2 (MANE Select); coding-DNA position 5171, G replaced by A.
Protein change: p.Cys1724Tyr; replaces cysteine 1724 with tyrosine.
Molecular consequence: missense variant.
Genome position (GRCh38, 1-based): chr2:71,664,435, G>A. VCF-style: chr2-71664435-G-A. GRCh37 (hg19) VCF-style: chr2-71891565-G-A.
Other names: c.5075G>A, p.Cys1692Tyr (NM_001130977.2); c.5117G>A, p.Cys1706Tyr (NM_001130978.2); c.5147G>A, p.Cys1716Tyr (NM_001130979.2); c.5105G>A, p.Cys1702Tyr (NM_001130980.2); c.5168G>A, p.Cys1723Tyr (NM_001130981.2); c.5150G>A, p.Cys1717Tyr (NM_001130982.2); c.5120G>A, p.Cys1707Tyr (NM_001130983.2); c.5078G>A, p.Cys1693Tyr (NM_001130984.2); and 5 more; short protein forms C1671Y, C1672Y, C1685Y, C1686Y, C1692Y, C1693Y, C1702Y, C1703Y.
Identifiers: ClinVar variation 1004455 (VCV001004455.8), dbSNP rs777984362, ClinGen allele CA1707265.
Genomic context (GRCh38, chr2:71,664,435, plus strand): 5'-ACCTGGAGAACAGGCTGCTGTCCAAGTTTGGGGCTCGCTGTGGACTCCCACAGACCTACT[G>A]TGTGTACGTGGATGGGGGCTGGCTGCCTGCTTCTCTGACAACACACCACCCCTGTCTTCT-3'
Protein context (NP_001124459.1, residues 1714-1734): GARCGLPQTY[Cys1724Tyr]VSGPNQWRDQ

ClinVar aggregate classification (germline): Uncertain significance (1 of 4 stars; one submission).

Conditions:
Neuromuscular disease caused by qualitative or quantitative defects of dysferlin. Also called: Qualitative or quantitative defects of dysferlin; Dysferlinopathy. Identifiers: Orphanet 207073, MedGen C2931687, MONDO:0016145.

gnomAD v4.1: 2 of 1,614,142 alleles (0.00012%); highest among the groups gnomAD compares: African/African-American, 0.0013%; no homozygotes.

Submission:

Labcorp Genetics (formerly Invitae), Labcorp
Classification: Uncertain significance for Neuromuscular disease caused by qualitative or quantitative defects of dysferlin. Last evaluated: 2021-01-14. Review status: criteria provided, single submitter. Criteria: Invitae Variant Classification Sherloc (09022015). Collection method: clinical testing. Allele origin: germline.
Comment: In summary, the available evidence is currently insufficient to determine the role of this variant in disease. Therefore, it has been classified as a Variant of Uncertain Significance. Algorithms developed to predict the effect of missense changes on protein structure and function are either unavailable or do not agree on the potential impact of this missense change (SIFT: "Deleterious"; PolyPhen-2: "Benign"; Align-GVGD: "Class C0"). This variant has not been reported in the literature in individuals with DYSF-related conditions. This variant is present in population databases (rs777984362, ExAC 0.01%). This sequence change replaces cysteine with tyrosine at codon 1685 of the DYSF protein (p.Cys1685Tyr). The cysteine residue is highly conserved and there is a large physicochemical difference between cysteine and tyrosine.